The following is an entry in ClinVar:

ClinVar aggregate classification (germline): Conflicting classifications of pathogenicity. Review status: criteria provided, conflicting classifications (1 of 4 stars). 5 submissions from 5 submitters: Uncertain significance (3); Likely benign (1). 1 of the submissions does not count toward it. Last evaluated 2025-02-07.

Conditions:
Cardiovascular phenotype. Identifiers: MedGen CN230736.
Alstrom syndrome (ALMS). Identifiers: Orphanet 64, MedGen C0268425, MONDO:0008763, OMIM 203800.

Allele frequency attached by ClinVar (database versions not stated): gnomAD 0.00003; ExAC 0.00004; gnomAD exomes 0.00004 and 0.00005; TOPMed 0.00005.
gnomAD v4.1: 81 of 1,613,864 alleles (0.005%); highest among the groups gnomAD compares: Non-Finnish European, 0.0065%; no homozygotes.

Submissions (5):

Ambry Genetics
Classification: Likely benign for Cardiovascular phenotype. Last evaluated: 2025-02-07. Review status: criteria provided, single submitter. Criteria: Ambry Variant Classification Scheme 2023. Collection method: clinical testing. Allele origin: germline.

GeneDx
Classification: Uncertain significance. Last evaluated: 2024-04-11. Review status: criteria provided, single submitter. Criteria: GeneDx Variant Classification Process June 2021. Collection method: clinical testing. Allele origin: germline. Affected: yes.
Comment: Not observed at significant frequency in large population cohorts (gnomAD); In silico analysis indicates that this missense variant does not alter protein structure/function; Has not been previously published as pathogenic or benign to our knowledge

Labcorp Genetics (formerly Invitae), Labcorp
Classification: Uncertain significance for Alstrom syndrome. Last evaluated: 2022-08-09. Review status: criteria provided, single submitter. Criteria: Invitae Variant Classification Sherloc (09022015). Collection method: clinical testing. Allele origin: germline.
Comment: This sequence change replaces threonine, which is neutral and polar, with alanine, which is neutral and non-polar, at codon 1191 of the ALMS1 protein (p.Thr1191Ala). This variant is present in population databases (rs772287164, gnomAD 0.009%). This variant has not been reported in the literature in individuals affected with ALMS1-related conditions. ClinVar contains an entry for this variant (Variation ID: 388080). Experimental studies and prediction algorithms are not available or were not evaluated, and the functional significance of this variant is currently unknown. In summary, the available evidence is currently insufficient to determine the role of this variant in disease. Therefore, it has been classified as a Variant of Uncertain Significance.

Fulgent Genetics
Classification: Uncertain significance for Alstrom syndrome. Last evaluated: 2018-10-31. Review status: criteria provided, single submitter. Criteria: ACMG Guidelines, 2015. Collection method: clinical testing. Allele origin: unknown.

Natera, Inc.
Classification: Uncertain significance for Alstrom syndrome. Last evaluated: 2021-05-18. Review status: no assertion criteria provided. Collection method: clinical testing. Allele origin: germline. Not counted in ClinVar's aggregate classification.

NM_001378454.1(ALMS1):c.3568A>G (p.Thr1190Ala)

Gene: ALMS1 (ALMS1 centrosome and basal body associated protein; plus strand). Cytogenetic location: 2p13.1.
Variant type: single nucleotide variant.
Coding change: c.3568A>G on transcript NM_001378454.1 (MANE Select); coding-DNA position 3568, A replaced by G.
Protein change: p.Thr1190Ala; replaces threonine 1190 with alanine.
Molecular consequence: missense variant.
Genome position (GRCh38, 1-based): chr2:73,450,095, A>G. VCF-style: chr2-73450095-A-G. GRCh37 (hg19) VCF-style: chr2-73677222-A-G.
Other names: c.3571A>G, p.Thr1191Ala (NM_015120.4); short protein forms T1191A, T1190A.
Identifiers: ClinVar variation 388080 (VCV000388080.15), dbSNP rs772287164, ClinGen allele CA1713549.